The following is an entry in ClinVar:

NM_004207.4(SLC16A3):c.1362C>T (p.Asn454=)

Gene: SLC16A3 (solute carrier family 16 member 3; plus strand). Cytogenetic location: 17q25.3.
Variant type: single nucleotide variant.
Coding change: c.1362C>T on transcript NM_004207.4 (MANE Select); coding-DNA position 1362, C replaced by T.
Protein change: p.Asn454=; no amino-acid change (asparagine 454 retained).
Molecular consequence: synonymous variant.
Genome position (GRCh38, 1-based): chr17:82,238,940, C>T. VCF-style: chr17-82238940-C-T. GRCh37 (hg19) VCF-style: chr17-80196816-C-T.
Other names: c.1362C>T, p.Asn454= (NM_001042422.3, NM_001042423.3, NM_001206950.2 and 2 more transcripts).
Identifiers: ClinVar variation 2648492 (VCV002648492.24), dbSNP rs112638041, ClinGen allele CA8855303.

ClinVar aggregate classification (germline): Likely benign (1 of 4 stars; one submission).

Allele frequency attached by ClinVar (database versions not stated): TOPMed 0.00097; gnomAD 0.00102; ESP Exome Variant Server 0.00115; 1000 Genomes Project 30x 0.00125; 1000 Genomes Project 0.00140.
gnomAD v4.1: 355 of 1,564,040 alleles (0.023%); highest among the groups gnomAD compares: African/African-American, 0.34%; 1 homozygote.

Submission:

CeGaT Center for Human Genetics Tuebingen
Classification: Likely benign. Last evaluated: 2022-08-01. Review status: criteria provided, single submitter. Criteria: CeGaT Center For Human Genetics Tuebingen Variant Classification Criteria Version 2. Collection method: clinical testing. Allele origin: germline. Affected: yes. Observed: 1 variant allele.
Comment: SLC16A3: BP4, BP7